The following is an entry in ClinVar:

ClinVar aggregate classification (germline): Uncertain significance (1 of 4 stars; one submission).

Allele frequency attached by ClinVar (database versions not stated): gnomAD exomes below 0.00001.
gnomAD v4.1: 1 of 1,551,340 alleles (0.000064%); highest among the groups gnomAD compares: Admixed American, 0.002%; no homozygotes.

Submission:

Labcorp Genetics (formerly Invitae), Labcorp
Classification: Uncertain significance. Last evaluated: 2022-01-31. Review status: criteria provided, single submitter. Criteria: Invitae Variant Classification Sherloc (09022015). Collection method: clinical testing. Allele origin: germline.
Comment: This sequence change replaces glutamine, which is neutral and polar, with histidine, which is basic and polar, at codon 444 of the CPLANE1 protein (p.Gln444His). This variant is not present in population databases (gnomAD no frequency). This variant has not been reported in the literature in individuals affected with CPLANE1-related conditions. Advanced modeling of protein sequence and biophysical properties (such as structural, functional, and spatial information, amino acid conservation, physicochemical variation, residue mobility, and thermodynamic stability) performed at Invitae indicates that this missense variant is not expected to disrupt CPLANE1 protein function. In summary, the available evidence is currently insufficient to determine the role of this variant in disease. Therefore, it has been classified as a Variant of Uncertain Significance.

NM_001384732.1(CPLANE1):c.1332G>C (p.Gln444His)

Gene: CPLANE1 (ciliogenesis and planar polarity effector complex subunit 1; minus strand). Cytogenetic location: 5p13.2.
Variant type: single nucleotide variant.
Coding change: c.1332G>C on transcript NM_001384732.1 (MANE Select); coding-DNA position 1332, G replaced by C.
Protein change: p.Gln444His; replaces glutamine 444 with histidine.
Molecular consequence: missense variant.
Genome position (GRCh38, 1-based): chr5:37,227,607, C>G on the plus strand (G>C on the coding strand, the complement: CPLANE1 is on the minus strand). VCF-style: chr5-37227607-C-G. GRCh37 (hg19) VCF-style: chr5-37227709-C-G.
Other names: c.1332G>C, p.Gln444His (NM_023073.4); short protein forms Q444H.
Identifiers: ClinVar variation 2091214 (VCV002091214.4), dbSNP rs2548603295, ClinGen allele CA359504372.